The following is an entry in ClinVar:

NM_001999.4(FBN2):c.5787G>A (p.Gln1929=)

Gene: FBN2 (fibrillin 2; minus strand). Cytogenetic location: 5q23.3.
Variant type: single nucleotide variant.
Coding change: c.5787G>A on transcript NM_001999.4 (MANE Select); coding-DNA position 5787, G replaced by A.
Protein change: p.Gln1929=; no amino-acid change (glutamine 1929 retained).
Molecular consequence: synonymous variant.
Genome position (GRCh38, 1-based): chr5:128,304,970, C>T on the plus strand (G>A on the coding strand, the complement: FBN2 is on the minus strand). VCF-style: chr5-128304970-C-T. GRCh37 (hg19) VCF-style: chr5-127640662-C-T.
Identifiers: ClinVar variation 264450 (VCV000264450.19), dbSNP rs746307443, ClinGen allele CA3394602.

ClinVar aggregate classification (germline): Likely benign. Review status: criteria provided, multiple submitters, no conflicts (2 of 4 stars). 5 submissions from 5 submitters: Likely benign (4). 1 of the submissions does not count toward it. Last evaluated 2025-09-29.

Conditions:
FBN2-related disorder. Also called: FBN2-related condition.
Familial thoracic aortic aneurysm and aortic dissection (TAAD). Also called: Thoracic aortic aneurysms and dissections. Identifiers: Orphanet 91387, MedGen C4707243, MONDO:0019625.
Congenital contractural arachnodactyly (CCA). Also called: BEALS SYNDROME; Arthrogryposis, distal, type 9; Beals-Hecht syndrome. Identifiers: Orphanet 115, MedGen C0220668, MONDO:0007363, OMIM 121050.

Allele frequency attached by ClinVar (database versions not stated): ExAC 0.00002; gnomAD 0.00002; gnomAD exomes 0.00002 and 0.00003; TOPMed 0.00002.
gnomAD v4.1: 22 of 1,613,894 alleles (0.0014%); highest among the groups gnomAD compares: Admixed American, 0.0033%; no homozygotes.

Submissions (5):

Labcorp Genetics (formerly Invitae), Labcorp
Classification: Likely benign for Congenital contractural arachnodactyly. Last evaluated: 2025-09-29. Review status: criteria provided, single submitter. Criteria: Invitae Variant Classification Sherloc (09022015). Collection method: clinical testing. Allele origin: germline.

Blueprint Genetics
Classification: Likely benign. Last evaluated: 2024-09-23. Review status: criteria provided, single submitter. Criteria: ACMG Guidelines, 2015. Collection method: clinical testing. Allele origin: germline.

GeneDx
Classification: Likely benign. Last evaluated: 2019-04-23. Review status: criteria provided, single submitter. Criteria: GeneDx Variant Classification Process June 2021. Collection method: clinical testing. Allele origin: germline. Affected: yes.
Comment: Has not been previously published as pathogenic or benign to our knowledge

Ambry Genetics
Classification: Likely benign for Familial thoracic aortic aneurysm and aortic dissection. Last evaluated: 2015-10-04. Review status: criteria provided, single submitter. Criteria: Ambry Variant Classification Scheme 2023. Collection method: clinical testing. Allele origin: germline.

PreventionGenetics, part of Exact Sciences
Classification: Likely benign for FBN2-related condition. Last evaluated: 2019-04-10. Review status: no assertion criteria provided. Collection method: clinical testing. Allele origin: germline. Not counted in ClinVar's aggregate classification.
Comment: This variant is classified as likely benign based on ACMG/AMP sequence variant interpretation guidelines (Richards et al. 2015 PMID: 25741868, with internal and published modifications).